The following is an entry in ClinVar:

NC_000011.10:g.108246997_108246998insAlu

Gene: ATM (ATM serine/threonine kinase; plus strand). Cytogenetic location: 11q22.3.
Variant type: Insertion.
Other names: NM_000051.3:c.935_936insAlu.
Identifiers: ClinVar variation 870274 (VCV000870274.2).

ClinVar aggregate classification (germline): Pathogenic (1 of 4 stars; one submission).

Conditions:
Ataxia-telangiectasia syndrome (AT). Also called: Cerebello-oculocutaneous telangiectasia; Immunodeficiency with ataxia telangiectasia; Ataxia-telangiectasia, complementation group D; AT, COMPLEMENTATION GROUP C; Ataxia-telangiectasia; LOUIS-BAR SYNDROME. Identifiers: Orphanet 100, MedGen C0004135, MONDO:0008840, OMIM 208900.

Submission:

Labcorp Genetics (formerly Invitae), Labcorp
Classification: Pathogenic for Ataxia-telangiectasia syndrome. Last evaluated: 2019-09-19. Review status: criteria provided, single submitter. Criteria: Invitae Variant Classification Sherloc (09022015). Collection method: clinical testing. Allele origin: germline.
Comment: This sequence change inserts a large fragment of DNA, likely a transposable element, in exon 8 of the ATM gene (c.935_936insAlu), causing a frameshift at codon 312 (p.Leu312fs). The exact size and sequence of the insertion cannot be determined by the current assay. However, the insertion is expected to result in an absent or disrupted protein product. Retrotransposon insertions including LINE1 (L1), Alu, and SVA (SINE-VNTR-Alu) have been reported to be disease-causing through disruption of either a coding region or splice site (PMID: 19763152, 20307669, 22406018) and loss-of-function variants in ATM are known to be pathogenic (PMID: 23807571, 25614872). For these reasons, this variant has been classified as Pathogenic.

Literature cited by the submitters: PubMed 25614872; PubMed 20307669; PubMed 22406018; PubMed 23807571; PubMed 19763152.